The following is an entry in ClinVar:

NM_000057.4(BLM):c.169A>T (p.Thr57Ser)

Gene: BLM (BLM RecQ like helicase; plus strand). Cytogenetic location: 15q26.1.
Variant type: single nucleotide variant.
Coding change: c.169A>T on transcript NM_000057.4 (MANE Select); coding-DNA position 169, A replaced by T.
Protein change: p.Thr57Ser; replaces threonine 57 with serine.
Molecular consequence: missense variant. On other transcripts: 5 prime UTR variant (1).
Genome position (GRCh38, 1-based): chr15:90,749,437, A>T. VCF-style: chr15-90749437-A-T. GRCh37 (hg19) VCF-style: chr15-91292667-A-T.
Other names: c.169A>T, p.Thr57Ser (NM_001287246.2, NM_001287247.2); c.-1123A>T (NM_001287248.2); short protein forms T57S.
Identifiers: ClinVar variation 1778306 (VCV001778306.3), dbSNP rs2505390447, ClinGen allele CA393839550.

ClinVar aggregate classification (germline): Uncertain significance (1 of 4 stars; one submission).

Conditions:
Hereditary cancer-predisposing syndrome. Also called: Neoplastic Syndromes, Hereditary; Tumor predisposition; Hereditary Cancer Syndrome; Hereditary neoplastic syndrome. Identifiers: Orphanet 140162, MedGen C0027672, MeSH D009386, MONDO:0015356.

Submission:

Ambry Genetics
Classification: Uncertain significance for Hereditary cancer-predisposing syndrome. Last evaluated: 2024-11-23. Review status: criteria provided, single submitter. Criteria: Ambry Variant Classification Scheme 2023. Collection method: clinical testing. Allele origin: germline.
Comment: The p.T57S variant (also known as c.169A>T), located in coding exon 2 of the BLM gene, results from an A to T substitution at nucleotide position 169. The threonine at codon 57 is replaced by serine, an amino acid with similar properties. This amino acid position is not well conserved in available vertebrate species. In addition, this alteration is predicted to be tolerated by in silico analysis. Since supporting evidence is limited at this time, the clinical significance of this alteration remains unclear.